The following is an entry in ClinVar:

NM_006245.4(PPP2R5D):c.545C>T (p.Thr182Met)

Gene: PPP2R5D (protein phosphatase 2 regulatory subunit B'delta; plus strand). Cytogenetic location: 6p21.1.
Variant type: single nucleotide variant.
Coding change: c.545C>T on transcript NM_006245.4 (MANE Select); coding-DNA position 545, C replaced by T.
Protein change: p.Thr182Met; replaces threonine 182 with methionine.
Molecular consequence: missense variant.
Genome position (GRCh38, 1-based): chr6:43,007,218, C>T. VCF-style: chr6-43007218-C-T. GRCh37 (hg19) VCF-style: chr6-42974956-C-T.
Other names: c.92C>T, p.Thr31Met (NM_001270476.2); c.449C>T, p.Thr150Met (NM_180976.3); c.227C>T, p.Thr76Met (NM_180977.3); short protein forms T150M, T182M, T31M, T76M.
Identifiers: ClinVar variation 3731403 (VCV003731403.1).

ClinVar aggregate classification (germline): Uncertain significance (1 of 4 stars; one submission).

Conditions:
Houge-Janssens syndrome 1. Also called: Intellectual disability-macrocephaly-hypotonia-behavioral abnormalities syndrome; INTELLECTUAL DEVELOPMENTAL DISORDER, AUTOSOMAL DOMINANT 35; Hogue-Janssens syndrome 1; PPP2R5D-Related Neurodevelopmental Disorder. Identifiers: Orphanet 457279, MedGen C5779996, MONDO:0014602, OMIM 616355.

gnomAD v4.1: 11 of 1,614,004 alleles (0.00068%); highest among the groups gnomAD compares: East Asian, 0.0022%; no homozygotes.

Submission:

Neuberg Centre For Genomic Medicine, NCGM
Classification: Uncertain significance for Houge-Janssens syndrome 1. Last evaluated: 2023-06-22. Review status: criteria provided, single submitter. Criteria: ACMG Guidelines, 2015. Collection method: clinical testing. Allele origin: germline. Inheritance: Autosomal dominant inheritance. Affected: yes.
Comment: The observed missense variant c.545C>T(p.Thr182Met) in PPP2R5D gene has not been reported previously as a pathogenic variant nor as a benign variant, to our knowledge. This variant is reported with the allele frequency of 0.001% in the gnomAD Exomes. The amino acid Thr at position 182 is changed to a Met changing protein sequence and it might alter its composition and physico-chemical properties. The amino acid change p.Thr182Met in PPP2R5D is predicted as conserved by GERP++ and PhyloP across 100 vertebrates. Multiple lines of computational evidence (Polyphen - Damaging, SIFT -Damaging, and MutationTaster - Disease causing) predict a damaging effect on protein structure and function for this variant. For these reasons, this variant has been classified as uncertain significance. For these reasons, this variant has been classified as uncertain significance .